The following is an entry in ClinVar:

ClinVar aggregate classification (germline): Likely pathogenic (1 of 4 stars; one submission).

Conditions:
Developmental and epileptic encephalopathy, 31A. Also called: Epileptic encephalopathy, early infantile, 31; Developmental and epileptic encephalopathy, 31. Identifiers: Orphanet 2382, MedGen C4225357, MONDO:0014598, OMIM 616346.

Submission:

Labcorp Genetics (formerly Invitae), Labcorp
Classification: Likely pathogenic for Developmental and epileptic encephalopathy, 31A. Last evaluated: 2020-01-24. Review status: criteria provided, single submitter. Criteria: Invitae Variant Classification Sherloc (09022015). Collection method: clinical testing. Allele origin: germline.
Comment: This variant is not present in population databases (ExAC no frequency). This sequence change replaces lysine with glutamic acid at codon 539 of the DNM1 protein (p.Lys539Glu). The lysine residue is highly conserved and there is a small physicochemical difference between lysine and glutamic acid. In summary, the currently available evidence indicates that the variant is pathogenic, but additional data are needed to prove that conclusively. Therefore, this variant has been classified as Likely Pathogenic. Algorithms developed to predict the effect of missense changes on protein structure and function do not agree on the potential impact of this missense change (SIFT: "Deleterious"; PolyPhen-2: "Benign"; Align-GVGD: "Class C0").

NM_004408.4(DNM1):c.1615A>G (p.Lys539Glu)

Gene: DNM1 (dynamin 1; plus strand). Cytogenetic location: 9q34.11.
Variant type: single nucleotide variant.
Coding change: c.1615A>G on transcript NM_004408.4 (MANE Select); coding-DNA position 1615, A replaced by G.
Protein change: p.Lys539Glu; replaces lysine 539 with glutamic acid.
Molecular consequence: missense variant.
Genome position (GRCh38, 1-based): chr9:128,242,289, A>G. VCF-style: chr9-128242289-A-G. GRCh37 (hg19) VCF-style: chr9-131004568-A-G.
Other names: c.1615A>G, p.Lys539Glu (NM_001005336.3, NM_001288737.2, NM_001288738.2 and 1 more transcripts); short protein forms K539E.
Identifiers: ClinVar variation 542678 (VCV000542678.9), dbSNP rs1554781553, ClinGen allele CA375025853.